The following is an entry in ClinVar:

ClinVar aggregate classification (germline): Pathogenic/Likely pathogenic. Review status: criteria provided, multiple submitters, no conflicts (2 of 4 stars). 6 submissions from 6 submitters: Pathogenic (4); Likely pathogenic (2). Last evaluated 2025-12-01.

Conditions:
Galactosemia. Also called: Galactose intolerance. Identifiers: Orphanet 352, MedGen C0016952, MONDO:0018116, HP:0004919. Disease mechanism: loss of function.
Deficiency of UDPglucose-hexose-1-phosphate uridylyltransferase. Also called: GALACTOSE-1-PHOSPHATE URIDYLYLTRANSFERASE DEFICIENCY; GALT deficiency; Galactosemia, classic; Transferase Deficiency Galactosemia; GALACTOSEMIA I. Identifiers: Orphanet 352, Orphanet 79239, MedGen C0268151, MONDO:0009258, OMIM 230400.

Allele frequency attached by ClinVar (database versions not stated): ExAC 0.00001; gnomAD exomes 0.00001.
gnomAD v4.1: 9 of 1,614,198 alleles (0.00056%); highest among the groups gnomAD compares: African/African-American, 0.0013%; no homozygotes.

Submissions (6):

Natera, Inc.
Classification: Pathogenic for Galactosemia. Last evaluated: 2025-12-01. Review status: criteria provided, single submitter. Criteria: Natera Variant Classification Schema (03/2026). Collection method: clinical testing. Allele origin: germline.
Comment: The c.1014C>G variant in GALT is a synonymous variant that does not alter the encoded amino acid at position 338 (p.G338=). This variant is rare in the general population with a frequency below the threshold expected for the associated phenotype(s). This variant has been observed in one or more individuals affected with the associated recessive disease, as either homozygous or compound heterozygous with a second variant (PMID: 34030713, 30172461, 30172461). Functional studies show that this variant may disrupt protein function (PMID: 22944367). Given the available evidence, this variant is classified as Pathogenic.

Mayo Clinic Laboratories, Mayo Clinic
Classification: Pathogenic. Last evaluated: 2025-03-20. Review status: criteria provided, single submitter. Criteria: ACMG Guidelines, 2015. Collection method: clinical testing. Allele origin: germline. Observed: 2 variant alleles.
Comment: PP4, PM2_moderate, PM3_strong, PS3, PS4

Labcorp Genetics (formerly Invitae), Labcorp
Classification: Pathogenic for Deficiency of UDPglucose-hexose-1-phosphate uridylyltransferase. Last evaluated: 2024-04-20. Review status: criteria provided, single submitter. Criteria: Invitae Variant Classification Sherloc (09022015). Collection method: clinical testing. Allele origin: germline.
Comment: This sequence change affects codon 338 of the GALT mRNA. It is a 'silent' change, meaning that it does not change the encoded amino acid sequence of the GALT protein. RNA analysis indicates that this variant induces altered splicing and likely disrupts the C-terminus of the protein. This variant is present in population databases (rs111033811, gnomAD 0.003%). This variant has been observed in individual(s) with galactosemia (PMID: 22944367; Invitae). ClinVar contains an entry for this variant (Variation ID: 25316). Studies have shown that this variant results in activation of a new donor splice site in exon 10 and introduces a new termination codon (PMID: 22944367). However the mRNA is not expected to undergo nonsense-mediated decay. For these reasons, this variant has been classified as Pathogenic.

Women's Health and Genetics/Laboratory Corporation of America, LabCorp
Classification: Likely pathogenic for Deficiency of UDPglucose-hexose-1-phosphate uridylyltransferase. Last evaluated: 2023-10-27. Review status: criteria provided, single submitter. Criteria: LabCorp Variant Classification Summary - May 2015. Collection method: clinical testing. Allele origin: germline.
Comment: Variant summary: GALT c.1014C>G alters a non-conserved nucleotide resulting in a synonymous change. Several computational tools predict a significant impact on normal splicing: Three predict the variant creates a cryptic 5' donor site. At least one publication reports experimental evidence that this variant affects mRNA splicing leading to a frameshift with a premature stop codon at nt1027 (p.Tyr339Leufs*5) (example: Boutron_2012). The variant allele was found at a frequency of 1.2e-05 in 251480 control chromosomes (gnomAD). c.1014C>G has been reported in the literature in individuals affected with Galactosemia (examples: Boutron_2012, Lacombe_2015, Yuzyuk_2018 and Jezela-Stanek_2021). The following publications have been ascertained in the context of this evaluation (PMID: 22944367, 34030713, 31194895, 25622686). Three submitters have cited clinical-significance assessments for this variant to ClinVar after 2014. All submitters classified the variant as pathogenic/likely pathogenic. Based on the evidence outlined above, the variant was classified as likely pathogenic.

Baylor Genetics
Classification: Pathogenic for Deficiency of UDPglucose-hexose-1-phosphate uridylyltransferase. Last evaluated: 2023-05-31. Review status: criteria provided, single submitter. Criteria: ACMG Guidelines, 2015. Collection method: clinical testing. Allele origin: unknown.

Eurofins Ntd Llc (ga)
Classification: Likely pathogenic. Last evaluated: 2015-09-18. Review status: criteria provided, single submitter. Criteria: EGL Classification Definitions. Collection method: clinical testing. Allele origin: germline. Observed: 2 variant alleles, 2 heterozygotes.

Literature cited by the submitters: PubMed 34030713 (cited by 3 submitters); PubMed 30172461 (cited by Natera, Inc. and Mayo Clinic Laboratories, Mayo Clinic); PubMed 22944367 (cited by 4 submitters); PubMed 11261429 (cited by Mayo Clinic Laboratories, Mayo Clinic); PubMed 25622686 (cited by Mayo Clinic Laboratories, Mayo Clinic and Women's Health and Genetics/Laboratory Corporation of America, LabCorp); PubMed 27308838 (cited by Mayo Clinic Laboratories, Mayo Clinic); PubMed 31194895 (cited by Mayo Clinic Laboratories, Mayo Clinic and Women's Health and Genetics/Laboratory Corporation of America, LabCorp); PubMed 32072977 (cited by Mayo Clinic Laboratories, Mayo Clinic).

NM_000155.4(GALT):c.1014C>G (p.Gly338=)

Gene: GALT (galactose-1-phosphate uridylyltransferase; plus strand). Cytogenetic location: 9p13.3.
Variant type: single nucleotide variant.
Coding change: c.1014C>G on transcript NM_000155.4 (MANE Select); coding-DNA position 1014, C replaced by G.
Protein change: p.Gly338=; no amino-acid change (glycine 338 retained).
Molecular consequence: synonymous variant.
Genome position (GRCh38, 1-based): chr9:34,649,519, C>G. VCF-style: chr9-34649519-C-G. GRCh37 (hg19) VCF-style: chr9-34649516-C-G.
Other names: p.Gly338=; c.687C>G, p.Gly229= (NM_001258332.2).
Identifiers: ClinVar variation 25316 (VCV000025316.20), dbSNP rs111033811, ClinGen allele CA259565.
Genomic context (GRCh38, chr9:34,649,519, plus strand): 5'-GCACGCTCATTACTACCCTCCGCTCCTGCGCTCTGCCACTGTCCGGAAATTCATGGTTGG[C>G]TACGAAATGCTTGCTCAGGCTCAGAGGGACCTCACCCCTGAGCAGGTCAGGACTCAGAAC-3'
Protein context (NP_000146.2, residues 328-348): RSATVRKFMV[Gly338=]YEMLAQAQRD